The following is an entry in ClinVar:

ClinVar aggregate classification (germline): Uncertain significance (1 of 4 stars; one submission).

Conditions:
Inborn genetic diseases. Identifiers: MedGen C0950123, MeSH D030342.

Submission:

Ambry Genetics
Classification: Uncertain significance for Inborn genetic diseases. Last evaluated: 2026-04-20. Review status: criteria provided, single submitter. Criteria: Ambry Variant Classification Scheme 2023. Collection method: clinical testing. Allele origin: germline.
Comment: The p.L838Q variant (also known as c.2513T>A), located in coding exon 26 of the RTEL1 gene, results from a T to A substitution at nucleotide position 2513. The leucine at codon 838 is replaced by glutamine, an amino acid with dissimilar properties. This amino acid position is conserved. In addition, the in silico prediction for this alteration is inconclusive. Based on the available evidence, the clinical significance of this variant remains unclear.

NM_001283009.2(RTEL1):c.2513T>A (p.Leu838Gln)

Genes: RTEL1 (regulator of telomere elongation helicase 1; plus strand), RTEL1-TNFRSF6B (RTEL1-TNFRSF6B readthrough (NMD candidate); plus strand). Cytogenetic location: 20q13.33.
Variant type: single nucleotide variant.
Coding change: c.2513T>A on transcript NM_001283009.2 (MANE Select); coding-DNA position 2513, T replaced by A.
Protein change: p.Leu838Gln; replaces leucine 838 with glutamine.
Molecular consequence: missense variant. On other transcripts: non-coding transcript variant (1).
Genome position (GRCh38, 1-based): chr20:63,690,904, T>A. VCF-style: chr20-63690904-T-A. GRCh37 (hg19) VCF-style: chr20-62322257-T-A.
Other names: c.1844T>A, p.Leu615Gln (NM_001283010.1); c.2513T>A, p.Leu838Gln (NM_016434.4); c.2585T>A, p.Leu862Gln (NM_032957.5); short protein forms L615Q, L838Q, L862Q.
Identifiers: ClinVar variation 4863566 (VCV004863566.1).